The following is an entry in ClinVar:

NM_000350.3(ABCA4):c.4540-2095G>C

Gene: ABCA4 (ATP binding cassette subfamily A member 4; minus strand). Cytogenetic location: 1p22.1.
Variant type: single nucleotide variant.
Coding change: c.4540-2095G>C on transcript NM_000350.3 (MANE Select); 2095 bases into the intron before coding-DNA position 4540, G replaced by C.
Molecular consequence: intron variant.
Genome position (GRCh38, 1-based): chr1:94,027,143, C>G on the plus strand (G>C on the coding strand, the complement: ABCA4 is on the minus strand). VCF-style: chr1-94027143-C-G. GRCh37 (hg19) VCF-style: chr1-94492699-C-G.
Identifiers: ClinVar variation 674087 (VCV000674087.1), dbSNP rs79767440, ClinGen allele CA26848037.
Genomic context (GRCh38, chr1:94,027,143, plus strand): 5'-TGAGTGAGAGAGACAGAGCGCGCACAGCTCCTGTGCATATGCGTGGCATTCAGTTTTGCT[C>G]CAATGGAAGGCACGTATAATAGTGAGGAAATGCAGAAGTGAAAGAAAATGGCAGGAACTG-3'

ClinVar aggregate classification (germline): Benign (1 of 4 stars; one submission).

Allele frequency attached by ClinVar (database versions not stated): gnomAD 0.01523 and 0.01616; TOPMed 0.01702; 1000 Genomes Project 0.01997; 1000 Genomes Project 30x 0.02061.
gnomAD v4.1: 2,306 of 152,166 alleles (1.5%); highest among the groups gnomAD compares: African/African-American, 5.2%; 65 homozygotes.

Submission:

GeneDx
Classification: Benign. Last evaluated: 2018-06-19. Review status: criteria provided, single submitter. Criteria: GeneDx Variant Classification (06012015). Collection method: clinical testing. Allele origin: germline. Affected: yes.
Comment: This variant is considered likely benign or benign based on one or more of the following criteria: it is a conservative change, it occurs at a poorly conserved position in the protein, it is predicted to be benign by multiple in silico algorithms, and/or has population frequency not consistent with disease.